The following is an entry in ClinVar:

ClinVar aggregate classification (germline): Benign. Review status: criteria provided, multiple submitters, no conflicts (2 of 4 stars). 5 submissions from 5 submitters: Benign (4). 1 of the submissions does not count toward it. Last evaluated 2026-02-03.

Conditions:
Hereditary sensory and autonomic neuropathy type 6. Also called: Neuropathy, hereditary sensory and autonomic, type VI; HSAN VI. Identifiers: Orphanet 314381, MedGen C3539003, MONDO:0013839, OMIM 614653.
Epidermolysis bullosa simplex 3, localized or generalized intermediate, with BP230 deficiency (EBS3). Also called: Epidermolysis bullosa simplex, autosomal recessive 2; Epidermolysis bullosa simplex due to BP230 deficiency. Identifiers: Orphanet 412181, MedGen C3809470, MONDO:0014180, OMIM 615425.
DST-related disorder. Also called: DST-related condition; DST-related disorders.

Allele frequency attached by ClinVar (database versions not stated): 1000 Genomes Project 30x 0.01515; 1000 Genomes Project 0.01597; TOPMed 0.03198; gnomAD 0.03616 and 0.03717; ESP Exome Variant Server 0.03677; gnomAD exomes 0.03868 and 0.04955; ExAC 0.04009.
gnomAD v4.1: 77,468 of 1,612,518 alleles (4.8%); highest among the groups gnomAD compares: Non-Finnish European, 5.6%; 2,184 homozygotes.

Submissions (5):

Labcorp Genetics (formerly Invitae), Labcorp
Classification: Benign for Epidermolysis bullosa simplex 3, localized or generalized intermediate, with BP230 deficiency; Hereditary sensory and autonomic neuropathy type 6. Last evaluated: 2026-02-03. Review status: criteria provided, single submitter. Criteria: Invitae Variant Classification Sherloc (09022015). Collection method: clinical testing. Allele origin: germline.

Genome-Nilou Lab
Classification: Benign for Hereditary sensory and autonomic neuropathy type 6. Last evaluated: 2021-05-18. Review status: criteria provided, single submitter. Criteria: ACMG Guidelines, 2015. Collection method: clinical testing. Allele origin: germline. Affected: no.

GeneDx
Classification: Benign. Last evaluated: 2021-03-30. Review status: criteria provided, single submitter. Criteria: GeneDx Variant Classification Process June 2021. Collection method: clinical testing. Allele origin: germline. Affected: yes.

Mayo Clinic Laboratories, Mayo Clinic
Classification: Benign. Last evaluated: 2016-03-10. Review status: criteria provided, single submitter. Criteria: ACMG Guidelines, 2015. Collection method: clinical testing. Allele origin: germline. Observed: 234 variant alleles.

PreventionGenetics, part of Exact Sciences
Classification: Benign for DST-related condition. Last evaluated: 2019-06-06. Review status: no assertion criteria provided. Collection method: clinical testing. Allele origin: germline. Not counted in ClinVar's aggregate classification.
Comment: This variant is classified as benign based on ACMG/AMP sequence variant interpretation guidelines (Richards et al. 2015 PMID: 25741868, with internal and published modifications).

NM_001374736.1(DST):c.19030G>A (p.Asp6344Asn)

Gene: DST (dystonin; minus strand). Cytogenetic location: 6p12.1.
Variant type: single nucleotide variant.
Coding change: c.19030G>A on transcript NM_001374736.1 (MANE Select); coding-DNA position 19030, G replaced by A.
Protein change: p.Asp6344Asn; replaces aspartic acid 6344 with asparagine.
Molecular consequence: missense variant.
Genome position (GRCh38, 1-based): chr6:56,508,738, C>T on the plus strand (G>A on the coding strand, the complement: DST is on the minus strand). VCF-style: chr6-56508738-C-T. GRCh37 (hg19) VCF-style: chr6-56373536-C-T.
Other names: p.Asp3721Asn; c.12673G>A (NM_001144769.2); c.12673G>A, p.Asp4225Asn (NM_001144769.5); c.12259G>A, p.Asp4087Asn (NM_001144770.2); c.19030G>A, p.Asp6344Asn (NM_001374722.1); c.18070G>A, p.Asp6024Asn (NM_001374729.1); c.11812G>A, p.Asp3938Asn (NM_001374730.1); c.19057G>A, p.Asp6353Asn (NM_001374734.1); and 2 more; short protein forms D3721N, D3938N, D4047N, D4087N, D4225N, D6024N, D6344N, D6353N.
Identifiers: ClinVar variation 1098731 (VCV001098731.17), dbSNP rs41271862, ClinGen allele CA3867090.